The following is an entry in ClinVar:

NM_032237.5(POMK):c.454C>A (p.His152Asn)

Gene: POMK (protein O-mannose kinase; plus strand). Cytogenetic location: 8p11.21.
Variant type: single nucleotide variant.
Coding change: c.454C>A on transcript NM_032237.5 (MANE Select); coding-DNA position 454, C replaced by A.
Protein change: p.His152Asn; replaces histidine 152 with asparagine.
Molecular consequence: missense variant.
Genome position (GRCh38, 1-based): chr8:43,122,278, C>A. VCF-style: chr8-43122278-C-A. GRCh37 (hg19) VCF-style: chr8-42977421-C-A.
Other names: c.454C>A, p.His152Asn (NM_001277971.2); short protein forms H152N.
Identifiers: ClinVar variation 2149793 (VCV002149793.4), dbSNP rs765370760, ClinGen allele CA4736287.

ClinVar aggregate classification (germline): Uncertain significance (1 of 4 stars; one submission).

Conditions:
Limb-girdle muscular dystrophy due to POMK deficiency. Also called: MUSCULAR DYSTROPHY-DYSTROGLYCANOPATHY, LIMB-GIRDLE, POMK-RELATED; Muscular dystrophy-dystroglycanopathy (limb-girdle), type c, 12. Identifiers: Orphanet 445110, MedGen C4015184, MONDO:0014489, OMIM 616094.
Muscular dystrophy-dystroglycanopathy (congenital with brain and eye anomalies), type a, 12 (MDDGA12). Also called: WALKER-WARBURG SYNDROME OR MUSCLE-EYE-BRAIN DISEASE, POMK-RELATED. Identifiers: Orphanet 899, MedGen C3808964, MONDO:0014101, OMIM 615249.

Allele frequency attached by ClinVar (database versions not stated): TOPMed below 0.00001; ExAC 0.00001; gnomAD 0.00001.
gnomAD v4.1: 3 of 1,614,084 alleles (0.00019%); highest among the groups gnomAD compares: Non-Finnish European, 0.00017%; no homozygotes.

Submission:

Labcorp Genetics (formerly Invitae), Labcorp
Classification: Uncertain significance for Muscular dystrophy-dystroglycanopathy (congenital with brain and eye anomalies), type a, 12; Limb-girdle muscular dystrophy due to POMK deficiency. Last evaluated: 2024-12-18. Review status: criteria provided, single submitter. Criteria: Invitae Variant Classification Sherloc (09022015). Collection method: clinical testing. Allele origin: germline.
Comment: This sequence change replaces histidine, which is basic and polar, with asparagine, which is neutral and polar, at codon 152 of the POMK protein (p.His152Asn). This variant is present in population databases (rs765370760, gnomAD 0.007%). This variant has not been reported in the literature in individuals affected with POMK-related conditions. ClinVar contains an entry for this variant (Variation ID: 2149793). Invitae Evidence Modeling of protein sequence and biophysical properties (such as structural, functional, and spatial information, amino acid conservation, physicochemical variation, residue mobility, and thermodynamic stability) indicates that this missense variant is not expected to disrupt POMK protein function with a negative predictive value of 80%. In summary, the available evidence is currently insufficient to determine the role of this variant in disease. Therefore, it has been classified as a Variant of Uncertain Significance.